The following is an entry in ClinVar:

NM_020163.3(SEMA3G):c.695T>C (p.Ile232Thr)

Gene: SEMA3G (semaphorin 3G; minus strand). Cytogenetic location: 3p21.1.
Variant type: single nucleotide variant.
Coding change: c.695T>C on transcript NM_020163.3 (MANE Select); coding-DNA position 695, T replaced by C.
Protein change: p.Ile232Thr; replaces isoleucine 232 with threonine.
Molecular consequence: missense variant.
Genome position (GRCh38, 1-based): chr3:52,441,382, A>G on the plus strand (T>C on the coding strand, the complement: SEMA3G is on the minus strand). VCF-style: chr3-52441382-A-G. GRCh37 (hg19) VCF-style: chr3-52475398-A-G.
Other names: short protein forms I232T.
Identifiers: ClinVar variation 5000471 (VCV005000471.1).

ClinVar aggregate classification (germline): Uncertain significance (1 of 4 stars; one submission).

Conditions:
SEMA3G-related disorder. Also called: SEMA3G-related condition.

gnomAD v4.1: 7 of 1,613,808 alleles (0.00043%); highest among the groups gnomAD compares: East Asian, 0.016%; no homozygotes.

Submission:

PreventionGenetics, part of Exact Sciences
Classification: Uncertain significance for SEMA3G-related condition. Last evaluated: 2025-03-05. Review status: criteria provided, single submitter. Criteria: ACMG Guidelines, 2015. Collection method: clinical testing. Allele origin: germline.
Comment: The SEMA3G c.695T>C variant is predicted to result in the amino acid substitution p.Ile232Thr. To our knowledge, this variant has not been reported in the literature. This variant is reported in 0.011% of alleles in individuals of East Asian descent in gnomAD. At this time, the clinical significance of this variant is uncertain due to the absence of conclusive functional and genetic evidence.